The following is an entry in ClinVar:

ClinVar aggregate classification (germline): Uncertain significance (1 of 4 stars; one submission).

Submission:

Labcorp Genetics (formerly Invitae), Labcorp
Classification: Uncertain significance. Last evaluated: 2025-04-21. Review status: criteria provided, single submitter. Criteria: Invitae Variant Classification Sherloc (09022015). Collection method: clinical testing. Allele origin: germline.
Comment: This sequence change replaces phenylalanine, which is neutral and non-polar, with serine, which is neutral and polar, at codon 180 of the GUF1 protein (p.Phe180Ser). This variant is not present in population databases (gnomAD no frequency). This variant has not been reported in the literature in individuals affected with GUF1-related conditions. Invitae Evidence Modeling of protein sequence and biophysical properties (such as structural, functional, and spatial information, amino acid conservation, physicochemical variation, residue mobility, and thermodynamic stability) indicates that this missense variant is not expected to disrupt GUF1 protein function with a negative predictive value of 80%. In summary, the available evidence is currently insufficient to determine the role of this variant in disease. Therefore, it has been classified as a Variant of Uncertain Significance.

NM_021927.3(GUF1):c.539T>C (p.Phe180Ser)

Gene: GUF1 (GTP binding elongation factor GUF1; plus strand). Cytogenetic location: 4p12.
Variant type: single nucleotide variant.
Coding change: c.539T>C on transcript NM_021927.3 (MANE Select); coding-DNA position 539, T replaced by C.
Protein change: p.Phe180Ser; replaces phenylalanine 180 with serine.
Molecular consequence: missense variant. On other transcripts: 5 prime UTR variant (2).
Genome position (GRCh38, 1-based): chr4:44,682,365, T>C. VCF-style: chr4-44682365-T-C. GRCh37 (hg19) VCF-style: chr4-44684382-T-C.
Other names: c.-430T>C (NM_001345867.2); c.539T>C, p.Phe180Ser (NM_001345868.2); c.-434T>C (NM_001345869.2); short protein forms F180S.
Identifiers: ClinVar variation 4743317 (VCV004743317.1).